The following is an entry in ClinVar:

ClinVar aggregate classification (germline): Uncertain significance. Review status: criteria provided, multiple submitters, no conflicts (2 of 4 stars). 2 submissions from 2 submitters: Uncertain significance (2). Last evaluated 2025-03-17.

Allele frequency attached by ClinVar (database versions not stated): TOPMed below 0.00001; ExAC 0.00001; gnomAD 0.00001; gnomAD exomes 0.00001; ESP Exome Variant Server 0.00009.
gnomAD v4.1: 11 of 1,208,197 alleles (0.00091%); highest among the groups gnomAD compares: Admixed American, 0.0022%; no homozygotes.

Submissions (2):

Labcorp Genetics (formerly Invitae), Labcorp
Classification: Uncertain significance. Last evaluated: 2025-03-17. Review status: criteria provided, single submitter. Criteria: Invitae Variant Classification Sherloc (09022015). Collection method: clinical testing. Allele origin: germline.
Comment: This sequence change replaces arginine, which is basic and polar, with histidine, which is basic and polar, at codon 1825 of the CACNA1F protein (p.Arg1825His). This variant is present in population databases (rs375373629, gnomAD 0.004%). This variant has not been reported in the literature in individuals affected with CACNA1F-related conditions. ClinVar contains an entry for this variant (Variation ID: 967237). An algorithm developed to predict the effect of missense changes on protein structure and function (PolyPhen-2) suggests that this variant is likely to be tolerated. In summary, the available evidence is currently insufficient to determine the role of this variant in disease. Therefore, it has been classified as a Variant of Uncertain Significance.

Blueprint Genetics
Classification: Uncertain significance. Last evaluated: 2024-05-08. Review status: criteria provided, single submitter. Criteria: ACMG Guidelines, 2015. Collection method: clinical testing. Allele origin: germline.

NM_001256789.3(CACNA1F):c.5441G>A (p.Arg1814His)

Gene: CACNA1F (calcium voltage-gated channel subunit alpha1 F; minus strand). Cytogenetic location: Xp11.23.
Variant type: single nucleotide variant.
Coding change: c.5441G>A on transcript NM_001256789.3 (MANE Select); coding-DNA position 5441, G replaced by A.
Protein change: p.Arg1814His; replaces arginine 1814 with histidine.
Molecular consequence: missense variant.
Genome position (GRCh38, 1-based): chrX:49,206,542, C>T on the plus strand (G>A on the coding strand, the complement: CACNA1F is on the minus strand). VCF-style: chrX-49206542-C-T. GRCh37 (hg19) VCF-style: chrX-49063003-C-T.
Other names: c.5279G>A, p.Arg1760His (NM_001256790.3); c.5474G>A, p.Arg1825His (NM_005183.4); short protein forms R1825H, R1814H, R1760H.
Identifiers: ClinVar variation 967237 (VCV000967237.11), dbSNP rs375373629, ClinGen allele CA10409978.